The following is an entry in ClinVar:

NM_000350.3(ABCA4):c.4764T>G (p.Asn1588Lys)

Genes: ABCA4 (ATP binding cassette subfamily A member 4; minus strand), LOC126805793 (CDK7 strongly-dependent group 2 enhancer GRCh37_chr1:94486302-94487501; plus strand). Cytogenetic location: 1p22.1.
Variant type: single nucleotide variant.
Coding change: c.4764T>G on transcript NM_000350.3 (MANE Select); coding-DNA position 4764, T replaced by G.
Protein change: p.Asn1588Lys; replaces asparagine 1588 with lysine.
Molecular consequence: missense variant.
Genome position (GRCh38, 1-based): chr1:94,021,855, A>C on the plus strand (T>G on the coding strand, the complement: ABCA4 is on the minus strand). VCF-style: chr1-94021855-A-C. GRCh37 (hg19) VCF-style: chr1-94487411-A-C.
Other names: c.4542T>G, p.Asn1514Lys (NM_001425324.1); c.4764T>G (NM_000350.2); short protein forms N1514K, N1588K.
Identifiers: ClinVar variation 2818995 (VCV002818995.4), dbSNP rs1659909969, ClinGen allele CA341283787.

ClinVar aggregate classification (germline): Uncertain significance. Review status: criteria provided, multiple submitters, no conflicts (2 of 4 stars). 2 submissions from 2 submitters: Uncertain significance (2). Last evaluated 2025-05-19.

Conditions:
ABCA4-related disorder. Also called: ABCA4-related condition; ABCA4-related disorders. Identifiers: MedGen CN239167.

Submissions (2):

Labcorp Genetics (formerly Invitae), Labcorp
Classification: Uncertain significance. Last evaluated: 2025-05-19. Review status: criteria provided, single submitter. Criteria: Invitae Variant Classification Sherloc (09022015). Collection method: clinical testing. Allele origin: germline.
Comment: This sequence change replaces asparagine, which is neutral and polar, with lysine, which is basic and polar, at codon 1588 of the ABCA4 protein (p.Asn1588Lys). This variant is not present in population databases (gnomAD no frequency). This missense change has been observed in individual(s) with clinical features of Stargardt disease (internal data). ClinVar contains an entry for this variant (Variation ID: 2818995). Invitae Evidence Modeling of protein sequence and biophysical properties (such as structural, functional, and spatial information, amino acid conservation, physicochemical variation, residue mobility, and thermodynamic stability) has been performed for this missense variant. However, the output from this modeling did not meet the statistical confidence thresholds required to predict the impact of this variant on ABCA4 protein function. Algorithms developed to predict the effect of sequence changes on RNA splicing suggest that this variant may disrupt the consensus splice site. This variant disrupts the p.Asn1588 amino acid residue in ABCA4. Other variant(s) that disrupt this residue have been determined to be pathogenic (PMID: 31144483, 31814693). This suggests that this residue is clinically significant, and that variants that disrupt this residue are likely to be disease-causing. In summary, the available evidence is currently insufficient to determine the role of this variant in disease. Therefore, it has been classified as a Variant of Uncertain Significance.

PreventionGenetics, part of Exact Sciences
Classification: Uncertain significance for ABCA4-related condition. Last evaluated: 2025-03-01. Review status: criteria provided, single submitter. Criteria: ACMG Guidelines, 2015. Collection method: clinical testing. Allele origin: germline.
Comment: The ABCA4 c.4764T>G variant is predicted to result in the amino acid substitution p.Asn1588Lys. To our knowledge, this variant has not been reported in the literature or in a large population database (gnomAD), indicating this variant is rare. At this time, the clinical significance of this variant is uncertain due to the absence of conclusive functional and genetic evidence.

Literature cited by the submitters: PubMed 31144483 (cited by Labcorp Genetics (formerly Invitae), Labcorp); PubMed 31814693 (cited by Labcorp Genetics (formerly Invitae), Labcorp).